The following is an entry in ClinVar:

ClinVar aggregate classification (germline): Uncertain significance. Review status: criteria provided, multiple submitters, no conflicts (2 of 4 stars). 3 submissions from 3 submitters: Uncertain significance (3). Last evaluated 2025-10-18.

Conditions:
Inborn genetic diseases. Identifiers: MedGen C0950123, MeSH D030342.

Allele frequency attached by ClinVar (database versions not stated): gnomAD exomes 0.00001; ExAC 0.00002; gnomAD 0.00005 and 0.00006; TOPMed 0.00006.
gnomAD v4.1: 15 of 1,614,100 alleles (0.00093%); highest among the groups gnomAD compares: African/African-American, 0.013%; no homozygotes.

Submissions (3):

Ambry Genetics
Classification: Uncertain significance for Inborn genetic diseases. Last evaluated: 2025-10-18. Review status: criteria provided, single submitter. Criteria: Ambry Variant Classification Scheme 2023. Collection method: clinical testing. Allele origin: germline.

Labcorp Genetics (formerly Invitae), Labcorp
Classification: Uncertain significance. Last evaluated: 2023-11-19. Review status: criteria provided, single submitter. Criteria: Invitae Variant Classification Sherloc (09022015). Collection method: clinical testing. Allele origin: germline.
Comment: This sequence change replaces valine, which is neutral and non-polar, with isoleucine, which is neutral and non-polar, at codon 625 of the WDR62 protein (p.Val625Ile). This variant is present in population databases (rs756425549, gnomAD 0.01%). This variant has not been reported in the literature in individuals affected with WDR62-related conditions. ClinVar contains an entry for this variant (Variation ID: 194478). Advanced modeling of protein sequence and biophysical properties (such as structural, functional, and spatial information, amino acid conservation, physicochemical variation, residue mobility, and thermodynamic stability) performed at Invitae indicates that this missense variant is not expected to disrupt WDR62 protein function with a negative predictive value of 80%. In summary, the available evidence is currently insufficient to determine the role of this variant in disease. Therefore, it has been classified as a Variant of Uncertain Significance.

Eurofins Ntd Llc (ga)
Classification: Uncertain significance. Last evaluated: 2015-06-02. Review status: criteria provided, single submitter. Criteria: EGL Classification Definitions 2015. Collection method: clinical testing. Allele origin: germline. Observed: 1 variant allele, 1 heterozygote.

NM_001083961.2(WDR62):c.1873G>A (p.Val625Ile)

Gene: WDR62 (WD repeat domain 62; plus strand). Cytogenetic location: 19q13.12.
Variant type: single nucleotide variant.
Coding change: c.1873G>A on transcript NM_001083961.2 (MANE Select); coding-DNA position 1873, G replaced by A.
Protein change: p.Val625Ile; replaces valine 625 with isoleucine.
Molecular consequence: missense variant.
Genome position (GRCh38, 1-based): chr19:36,089,221, G>A. VCF-style: chr19-36089221-G-A. GRCh37 (hg19) VCF-style: chr19-36580123-G-A.
Other names: c.1873G>A, p.Val625Ile (NM_173636.5); c.1873G>A (NM_001083961.1); short protein forms V625I.
Identifiers: ClinVar variation 194478 (VCV000194478.9), dbSNP rs756425549, ClinGen allele CA240471.